The following is an entry in ClinVar:

NM_020297.4(ABCC9):c.3G>A (p.Met1Ile)

Gene: ABCC9 (ATP binding cassette subfamily C member 9; minus strand). Cytogenetic location: 12p12.1.
Variant type: single nucleotide variant.
Coding change: c.3G>A on transcript NM_020297.4 (MANE Select); coding-DNA position 3, G replaced by A.
Protein change: p.Met1Ile; changes the start codon (methionine 1).
Molecular consequence: missense variant, initiator codon variant. On other transcripts: 5 prime UTR variant (1).
Genome position (GRCh38, 1-based): chr12:21,936,672, C>T on the plus strand (G>A on the coding strand, the complement: ABCC9 is on the minus strand). VCF-style: chr12-21936672-C-T. GRCh37 (hg19) VCF-style: chr12-22089606-C-T.
Other names: c.3G>A, p.Met1Ile (NM_001377273.1, NM_005691.4); c.-452G>A (NM_001377274.1); short protein forms M1I.
Identifiers: ClinVar variation 2705753 (VCV002705753.3), dbSNP rs1949501476, ClinGen allele CA384134084.
Genomic context (GRCh38, chr12:21,936,672, plus strand): 5'-TTGTAGTACACCATCGTTGATATTATATGAAGAAATGTTGTTACCACAAAATGAAAGGCT[C>T]ATTTCTTCTTATATGGTTTACTCTAAAAGGGAGAGAAATGAGAAAGAAAAATCCTCTTAT-3'
Protein context (NP_064693.2, residues 1-11): [Met1Ile]SLSFCGNNIS

ClinVar aggregate classification (germline): Uncertain significance (1 of 4 stars; one submission).

Conditions:
Dilated cardiomyopathy 1O (CMD1O). Also called: CARDIOMYOPATHY, DILATED, WITH VENTRICULAR TACHYCARDIA. Identifiers: Orphanet 154, MedGen C1837839, MONDO:0012062, OMIM 608569.

Submission:

Labcorp Genetics (formerly Invitae), Labcorp
Classification: Uncertain significance for Dilated cardiomyopathy 1O. Last evaluated: 2023-12-27. Review status: criteria provided, single submitter. Criteria: Invitae Variant Classification Sherloc (09022015). Collection method: clinical testing. Allele origin: germline.
Comment: This sequence change affects the initiator methionine of the ABCC9 mRNA. The next in-frame methionine is located at codon 106. This variant is not present in population databases (gnomAD no frequency). This variant has not been reported in the literature in individuals affected with ABCC9-related conditions. Experimental studies and prediction algorithms are not available or were not evaluated, and the functional significance of this variant is currently unknown. In summary, the available evidence is currently insufficient to determine the role of this variant in disease. Therefore, it has been classified as a Variant of Uncertain Significance.